The following is an entry in ClinVar:

ClinVar aggregate classification (germline): Benign (1 of 4 stars; one submission).

Allele frequency attached by ClinVar (database versions not stated): TOPMed 0.43507; gnomAD 0.44377 and 0.45201; 1000 Genomes Project 30x 0.44956; 1000 Genomes Project 0.46166.
gnomAD v4.1: 68,855 of 151,950 alleles (45%); highest among the groups gnomAD compares: East Asian, 64%; 17,653 homozygotes.

Submission:

GeneDx
Classification: Benign. Last evaluated: 2018-06-15. Review status: criteria provided, single submitter. Criteria: GeneDx Variant Classification (06012015). Collection method: clinical testing. Allele origin: germline. Affected: yes.
Comment: This variant is considered likely benign or benign based on one or more of the following criteria: it is a conservative change, it occurs at a poorly conserved position in the protein, it is predicted to be benign by multiple in silico algorithms, and/or has population frequency not consistent with disease.

NM_001035.3(RYR2):c.1476+160G>A

Gene: RYR2 (ryanodine receptor 2; plus strand). Cytogenetic location: 1q43.
Variant type: single nucleotide variant.
Coding change: c.1476+160G>A on transcript NM_001035.3 (MANE Select); 160 bases into the intron after coding-DNA position 1476, G replaced by A.
Molecular consequence: intron variant.
Genome position (GRCh38, 1-based): chr1:237,454,734, G>A. VCF-style: chr1-237454734-G-A. GRCh37 (hg19) VCF-style: chr1-237618034-G-A.
Identifiers: ClinVar variation 672067 (VCV000672067.1), dbSNP rs4142933, ClinGen allele CA10861554.